The following is an entry in ClinVar:

NM_001005361.3(DNM2):c.961G>A (p.Asp321Asn)

Gene: DNM2 (dynamin 2; plus strand). Cytogenetic location: 19p13.2.
Variant type: single nucleotide variant.
Coding change: c.961G>A on transcript NM_001005361.3 (MANE Select); coding-DNA position 961, G replaced by A.
Protein change: p.Asp321Asn; replaces aspartic acid 321 with asparagine.
Molecular consequence: missense variant.
Genome position (GRCh38, 1-based): chr19:10,786,675, G>A. VCF-style: chr19-10786675-G-A. GRCh37 (hg19) VCF-style: chr19-10897351-G-A.
Other names: c.961G>A, p.Asp321Asn (NM_001005360.3, NM_001005362.3, NM_001190716.2 and 1 more transcripts); short protein forms D321N.
Identifiers: ClinVar variation 808445 (VCV000808445.45), dbSNP rs745794161, ClinGen allele CA9200938.

ClinVar aggregate classification (germline): Uncertain significance. Review status: criteria provided, multiple submitters, no conflicts (2 of 4 stars). 2 submissions from 2 submitters: Uncertain significance (2). Last evaluated 2024-08-13.

Conditions:
Charcot-Marie-Tooth disease dominant intermediate B (CMTDIB). Also called: CHARCOT-MARIE-TOOTH NEUROPATHY, DOMINANT INTERMEDIATE B; Charcot-Marie-Tooth disease dominant intermediate 1; CMT DI1; Charcot-Marie-Tooth disease dominant intermediate I. Identifiers: Orphanet 100044, Orphanet 228179, MedGen C1847902, MONDO:0011674, OMIM 606482.

Allele frequency attached by ClinVar (database versions not stated): gnomAD exomes below 0.00001 and 0.00001; ExAC 0.00001.
gnomAD v4.1: 10 of 1,614,014 alleles (0.00062%); highest among the groups gnomAD compares: Admixed American, 0.0017%; no homozygotes.

Submissions (2):

Labcorp Genetics (formerly Invitae), Labcorp
Classification: Uncertain significance for Charcot-Marie-Tooth disease dominant intermediate B. Last evaluated: 2024-08-13. Review status: criteria provided, single submitter. Criteria: Invitae Variant Classification Sherloc (09022015). Collection method: clinical testing. Allele origin: germline.
Comment: This sequence change replaces aspartic acid, which is acidic and polar, with asparagine, which is neutral and polar, at codon 321 of the DNM2 protein (p.Asp321Asn). This variant is present in population databases (rs745794161, gnomAD 0.0009%). This variant has not been reported in the literature in individuals affected with DNM2-related conditions. ClinVar contains an entry for this variant (Variation ID: 808445). Advanced modeling of protein sequence and biophysical properties (such as structural, functional, and spatial information, amino acid conservation, physicochemical variation, residue mobility, and thermodynamic stability) has been performed at Invitae for this missense variant, however the output from this modeling did not meet the statistical confidence thresholds required to predict the impact of this variant on DNM2 protein function. In summary, the available evidence is currently insufficient to determine the role of this variant in disease. Therefore, it has been classified as a Variant of Uncertain Significance.

CeGaT Center for Human Genetics Tuebingen
Classification: Uncertain significance. Last evaluated: 2019-03-01. Review status: criteria provided, single submitter. Criteria: CeGaT Center For Human Genetics Tuebingen Variant Classification Criteria Version 2. Collection method: clinical testing. Allele origin: germline. Affected: yes. Observed: 1 variant allele.